The following is an entry in ClinVar:

NM_020843.4(SCAPER):c.907G>A (p.Val303Ile)

Gene: SCAPER (S-phase cyclin A associated protein in the ER; minus strand). Cytogenetic location: 15q24.3.
Variant type: single nucleotide variant.
Coding change: c.907G>A on transcript NM_020843.4 (MANE Select); coding-DNA position 907, G replaced by A.
Protein change: p.Val303Ile; replaces valine 303 with isoleucine.
Molecular consequence: missense variant. On other transcripts: non-coding transcript variant (1).
Genome position (GRCh38, 1-based): chr15:76,774,983, C>T on the plus strand (G>A on the coding strand, the complement: SCAPER is on the minus strand). VCF-style: chr15-76774983-C-T. GRCh37 (hg19) VCF-style: chr15-77067324-C-T.
Other names: c.169G>A, p.Val57Ile (NM_001145923.2); c.907G>A, p.Val303Ile (NM_001353009.2); c.505G>A, p.Val169Ile (NM_001353010.2, NM_001353011.2, NM_001353012.2); short protein forms V169I, V57I, V303I.
Identifiers: ClinVar variation 4990618 (VCV004990618.1).

ClinVar aggregate classification (germline): Uncertain significance (1 of 4 stars; one submission).

Conditions:
SCAPER-related disorder. Also called: SCAPER-related condition.

Submission:

PreventionGenetics, part of Exact Sciences
Classification: Uncertain significance for SCAPER-related condition. Last evaluated: 2024-12-12. Review status: criteria provided, single submitter. Criteria: ACMG Guidelines, 2015. Collection method: clinical testing. Allele origin: germline.
Comment: The SCAPER c.907G>A variant is predicted to result in the amino acid substitution p.Val303Ile. To our knowledge, this variant has not been reported in the literature. This variant is reported in 0.011% of alleles in individuals of African descent in gnomAD. Isoleucine is found at this position in the protein in other vertebrates suggesting that this change might be tolerated. At this time, the clinical significance of this variant is uncertain due to the absence of conclusive functional and genetic evidence.